The following is an entry in ClinVar:

ClinVar aggregate classification (germline): Uncertain significance (1 of 4 stars; one submission).

Conditions:
Ataxia-telangiectasia syndrome (AT). Also called: Ataxia telangiectasia (A-T); ATAXIA-TELANGIECTASIA, COMPLEMENTATION GROUP A; ATAXIA-TELANGIECTASIA, FRESNO VARIANT; Ataxia-telangiectasia; Ataxia-telangiectasia, complementation group E; LOUIS-BAR SYNDROME. Identifiers: Orphanet 100, MedGen C0004135, MONDO:0008840, OMIM 208900.

Submission:

Labcorp Genetics (formerly Invitae), Labcorp
Classification: Uncertain significance for Ataxia-telangiectasia syndrome. Last evaluated: 2020-05-25. Review status: criteria provided, single submitter. Criteria: Invitae Variant Classification Sherloc (09022015). Collection method: clinical testing. Allele origin: germline.
Comment: In summary, the available evidence is currently insufficient to determine the role of this variant in disease. Therefore, it has been classified as a Variant of Uncertain Significance. Algorithms developed to predict the effect of missense changes on protein structure and function output the following: SIFT: "Tolerated"; PolyPhen-2: "Benign"; Align-GVGD: "Class C0". The lysine amino acid residue is found in multiple mammalian species, suggesting that this missense change does not adversely affect protein function. These predictions have not been confirmed by published functional studies and their clinical significance is uncertain. This sequence change replaces arginine with lysine at codon 2428 of the ATM protein (p.Arg2428Lys). The arginine residue is moderately conserved and there is a small physicochemical difference between arginine and lysine. This variant is not present in population databases (ExAC no frequency). This variant has not been reported in the literature in individuals with ATM-related conditions.

NM_000051.4(ATM):c.7283G>A (p.Arg2428Lys)

Genes: ATM (ATM serine/threonine kinase; plus strand), C11orf65 (chromosome 11 open reading frame 65; minus strand). Cytogenetic location: 11q22.3.
Variant type: single nucleotide variant.
Coding change: c.7283G>A on transcript NM_000051.4 (MANE Select); coding-DNA position 7283, G replaced by A.
Protein change: p.Arg2428Lys; replaces arginine 2428 with lysine.
Molecular consequence: missense variant. On other transcripts: intron variant (2).
Genome position (GRCh38, 1-based): chr11:108,329,214, G>A. VCF-style: chr11-108329214-G-A. GRCh37 (hg19) VCF-style: chr11-108199941-G-A.
Other names: c.7283G>A, p.Arg2428Lys (NM_001351834.2); c.641-20143C>T (NM_001330368.2); c.*38+6006C>T (NM_001351110.2); short protein forms R2428K.
Identifiers: ClinVar variation 1023012 (VCV001023012.9), dbSNP rs2085999795, ClinGen allele CA382559789.
Genomic context (GRCh38, chr11:108,329,214, plus strand): 5'-CGGAATTTGAAAACAAGCAAGCTCTCCTGAAAAGAGCCAAAGAGGAAGTAGGTCTCCTTA[G>A]GGAACATAAAATTCAGACAAACAGGTAACTAGGTTTCTACAAGTGACAATTTTATGTTCA-3'
Protein context (NP_000042.3, residues 2418-2438): KRAKEEVGLL[Arg2428Lys]EHKIQTNRYT